The following is an entry in ClinVar:

ClinVar aggregate classification (germline): Likely pathogenic (1 of 4 stars; one submission).

Conditions:
Osteogenesis imperfecta type I (OI1). Also called: OI, TYPE I; OSTEOGENESIS IMPERFECTA TARDA; OSTEOGENESIS IMPERFECTA WITH BLUE SCLERAE; Osteogenesis imperfecta type 1; Lobstein's Disease; Lobstein disease. Identifiers: Orphanet 216796, Orphanet 666, MedGen C0023931, MONDO:0008146, OMIM 166200. Disease mechanism: loss of function.

Submission:

Laboratory of Genetic Skeletal Anomaly, Seoul National University Children's Hospital
Classification: Likely pathogenic for Osteogenesis imperfecta type I. Last evaluated: 2025-03-01. Review status: criteria provided, single submitter. Criteria: ACMG Guidelines, 2015. Collection method: research. Allele origin: germline. Affected: yes.
Comment: This variant is a novel variant not previously reported in the literature or population databases. It was classified based on available in silico predictions and absence from gnomAD.

NM_000089.4(COL1A2):c.2423G>C (p.Gly808Ala)

Gene: COL1A2 (collagen type I alpha 2 chain; plus strand). Cytogenetic location: 7q21.3.
Variant type: single nucleotide variant.
Coding change: c.2423G>C on transcript NM_000089.4 (MANE Select); coding-DNA position 2423, G replaced by C.
Protein change: p.Gly808Ala; replaces glycine 808 with alanine.
Molecular consequence: missense variant.
Genome position (GRCh38, 1-based): chr7:94,422,976, G>C. VCF-style: chr7-94422976-G-C. GRCh37 (hg19) VCF-style: chr7-94052288-G-C.
Other names: short protein forms G808A.
Identifiers: ClinVar variation 4280710 (VCV004280710.1).